The following is an entry in ClinVar:

NM_001378457.1(DMXL2):c.749G>C (p.Gly250Ala)

Gene: DMXL2 (Dmx like 2; minus strand). Cytogenetic location: 15q21.2.
Variant type: single nucleotide variant.
Coding change: c.749G>C on transcript NM_001378457.1 (MANE Select); coding-DNA position 749, G replaced by C.
Protein change: p.Gly250Ala; replaces glycine 250 with alanine.
Molecular consequence: missense variant. On other transcripts: non-coding transcript variant (2).
Genome position (GRCh38, 1-based): chr15:51,545,764, C>G on the plus strand (G>C on the coding strand, the complement: DMXL2 is on the minus strand). VCF-style: chr15-51545764-C-G. GRCh37 (hg19) VCF-style: chr15-51837961-C-G.
Other names: c.749G>C, p.Gly250Ala (NM_001174116.3, NM_001174117.3, NM_001378458.1 and 7 more transcripts); short protein forms G250A.
Identifiers: ClinVar variation 2004050 (VCV002004050.4), dbSNP rs751938141, ClinGen allele CA392469207.

ClinVar aggregate classification (germline): Uncertain significance (1 of 4 stars; one submission).

Submission:

Labcorp Genetics (formerly Invitae), Labcorp
Classification: Uncertain significance. Last evaluated: 2024-12-07. Review status: criteria provided, single submitter. Criteria: Invitae Variant Classification Sherloc (09022015). Collection method: clinical testing. Allele origin: germline.
Comment: This sequence change replaces glycine, which is neutral and non-polar, with alanine, which is neutral and non-polar, at codon 250 of the DMXL2 protein (p.Gly250Ala). This variant is not present in population databases (gnomAD no frequency). This variant has not been reported in the literature in individuals affected with DMXL2-related conditions. ClinVar contains an entry for this variant (Variation ID: 2004050). An algorithm developed to predict the effect of missense changes on protein structure and function (PolyPhen-2) suggests that this variant is likely to be disruptive. In summary, the available evidence is currently insufficient to determine the role of this variant in disease. Therefore, it has been classified as a Variant of Uncertain Significance.